The following is an entry in ClinVar:

NM_005591.4(MRE11):c.1336del (p.Leu446fs)

Gene: MRE11 (MRE11 double strand break repair nuclease; minus strand). Cytogenetic location: 11q21.
Variant type: Deletion.
Coding change: c.1336del on transcript NM_005591.4 (MANE Select); coding-DNA position 1336, one base deleted (C; older notation c.1336delC).
Protein change: p.Leu446fs; shifts the reading frame from leucine 446.
Molecular consequence: frameshift variant.
Genome position (GRCh38, 1-based): chr11:94,459,572, G deleted on the plus strand (C on the coding strand, the reverse complement: MRE11 is on the minus strand). VCF-style (leftmost placement, unchanged base first): chr11-94459571-AG-A. GRCh37 (hg19) VCF-style: chr11-94192737-AG-A.
Other names: c.1336del, p.Leu446fs (NM_001330347.2, NM_005590.4); c.1336delC (NM_005591.3); short protein forms L446fs.
Identifiers: ClinVar variation 187370 (VCV000187370.5), dbSNP rs786203682, ClinGen allele CA197475.

ClinVar aggregate classification (germline): Pathogenic (1 of 4 stars; one submission).

Conditions:
Hereditary cancer-predisposing syndrome. Also called: Neoplastic Syndromes, Hereditary; Tumor predisposition; Hereditary Cancer Syndrome; Hereditary neoplastic syndrome. Identifiers: Orphanet 140162, MedGen C0027672, MeSH D009386, MONDO:0015356.

Allele frequency attached by ClinVar (database versions not stated): gnomAD exomes 0.00001.

Submission:

Ambry Genetics
Classification: Pathogenic for Hereditary cancer-predisposing syndrome. Last evaluated: 2021-04-16. Review status: criteria provided, single submitter. Criteria: Ambry Variant Classification Scheme 2023. Collection method: clinical testing. Allele origin: germline.
Comment: The c.1336delC pathogenic mutation, located in coding exon 12 of the MRE11A gene, results from a deletion of one nucleotide at nucleotide position 1336, causing a translational frameshift with a predicted alternate stop codon (p.L446Sfs*4). This alteration is expected to result in loss of function by premature protein truncation or nonsense-mediated mRNA decay. As such, this alteration is interpreted as a disease-causing mutation.